The following is an entry in ClinVar:

ClinVar aggregate classification (germline): Uncertain significance (1 of 4 stars; one submission).

Conditions:
Curry-Hall syndrome (WAD). Also called: WEYERS ACRODENTAL DYSOSTOSIS. Identifiers: Orphanet 952, MedGen C0457013, MONDO:0008673, OMIM 193530.
Ellis-van Creveld syndrome (EVC). Also called: EVC2-Related Ellis-van Creveld Syndrome; EVC-Related Ellis-van Creveld Syndrome; Chondroectodermal dysplasia; MESOECTODERMAL DYSPLASIA. Identifiers: Orphanet 289, MedGen C0013903, MONDO:0009162, OMIM 225500.

Allele frequency attached by ClinVar (database versions not stated): gnomAD exomes 0.00002; gnomAD 0.00003; TOPMed 0.00003.

Submission:

Labcorp Genetics (formerly Invitae), Labcorp
Classification: Uncertain significance for Curry-Hall syndrome; Ellis-van Creveld syndrome. Last evaluated: 2025-05-24. Review status: criteria provided, single submitter. Criteria: Invitae Variant Classification Sherloc (09022015). Collection method: clinical testing. Allele origin: germline.
Comment: This sequence change replaces arginine, which is basic and polar, with glutamine, which is neutral and polar, at codon 399 of the EVC2 protein (p.Arg399Gln). This variant is present in population databases (no rsID available, gnomAD 0.004%). This variant has not been reported in the literature in individuals affected with EVC2-related conditions. ClinVar contains an entry for this variant (Variation ID: 2079870). An algorithm developed to predict the effect of missense changes on protein structure and function (PolyPhen-2) suggests that this variant is likely to be disruptive. In summary, the available evidence is currently insufficient to determine the role of this variant in disease. Therefore, it has been classified as a Variant of Uncertain Significance.

NM_147127.5(EVC2):c.1196G>A (p.Arg399Gln)

Genes: EVC2 (EvC ciliary complex subunit 2; minus strand), LOC126806961 (BRD4-independent group 4 enhancer GRCh37_chr4:5641443-5642642; plus strand). Cytogenetic location: 4p16.2.
Variant type: single nucleotide variant.
Coding change: c.1196G>A on transcript NM_147127.5 (MANE Select); coding-DNA position 1196, G replaced by A.
Protein change: p.Arg399Gln; replaces arginine 399 with glutamine.
Molecular consequence: missense variant.
Genome position (GRCh38, 1-based): chr4:5,640,788, C>T on the plus strand (G>A on the coding strand, the complement: EVC2 is on the minus strand). VCF-style: chr4-5640788-C-T. GRCh37 (hg19) VCF-style: chr4-5642515-C-T.
Other names: c.956G>A, p.Arg319Gln (NM_001166136.2); short protein forms R319Q, R399Q.
Identifiers: ClinVar variation 2079870 (VCV002079870.2), dbSNP rs866938723, ClinGen allele CA91717914.